The following is an entry in ClinVar:

ClinVar aggregate classification (germline): Uncertain significance (1 of 4 stars; one submission).

Submission:

GeneDx
Classification: Uncertain significance. Last evaluated: 2025-02-06. Review status: criteria provided, single submitter. Criteria: GeneDx Variant Classification Process June 2021. Collection method: clinical testing. Allele origin: germline. Affected: yes.
Comment: Not observed at significant frequency in large population cohorts (gnomAD); In silico analysis supports a deleterious effect on splicing; Has not been previously published as pathogenic or benign to our knowledge

NM_000369.5(TSHR):c.318-3C>G

Genes: TSHR (thyroid stimulating hormone receptor; plus strand), TSHR-AS1 (TSHR antisense RNA 1; minus strand). Cytogenetic location: 14q31.1.
Variant type: single nucleotide variant.
Coding change: c.318-3C>G on transcript NM_000369.5 (MANE Select); 3 bases into the intron before coding-DNA position 318, C replaced by G.
Molecular consequence: intron variant.
Genome position (GRCh38, 1-based): chr14:81,087,951, C>G. VCF-style: chr14-81087951-C-G. GRCh37 (hg19) VCF-style: chr14-81554295-C-G.
Other names: c.318-3C>G (NM_001142626.3, NM_001018036.3).
Identifiers: ClinVar variation 4074577 (VCV004074577.1).